The following is an entry in ClinVar:

ClinVar aggregate classification (germline): Conflicting classifications of pathogenicity. Review status: criteria provided, conflicting classifications (1 of 4 stars). 3 submissions from 3 submitters: Uncertain significance (2); Likely benign (1). Last evaluated 2025-10-28.

Conditions:
Inborn genetic diseases. Identifiers: MedGen C0950123, MeSH D030342.

Allele frequency attached by ClinVar (database versions not stated): gnomAD exomes 0.00008; ExAC 0.00010; 1000 Genomes Project 30x 0.00016; gnomAD 0.00002 and 0.00003; ESP Exome Variant Server 0.00008; 1000 Genomes Project 0.00020.
gnomAD v4.1: 140 of 1,614,210 alleles (0.0087%); highest among the groups gnomAD compares: Middle Eastern, 0.016%; no homozygotes.

Submissions (3):

Women's Health and Genetics/Laboratory Corporation of America, LabCorp
Classification: Uncertain significance. Last evaluated: 2025-10-28. Review status: criteria provided, single submitter. Criteria: LabCorp Variant Classification Summary - May 2015. Collection method: clinical testing. Allele origin: germline.
Comment: Variant summary: ANK3 c.12070G>A (p.Glu4024Lys) results in a conservative amino acid change in the encoded protein sequence. Algorithms developed to predict the effect of missense changes on protein structure and function are either unavailable or do not agree on the potential impact of this missense change. The variant allele was found at a frequency of 8e-05 in 251246 control chromosomes. This frequency is not significantly higher than estimated for disease-causing variants in ANK3, allowing no conclusion about variant significance. To our knowledge, no occurrence of c.12070G>A in individuals affected with ANK3-related conditions and no experimental evidence demonstrating its impact on protein function have been reported. ClinVar contains an entry for this variant (Variation ID: 1431669). Based on the evidence outlined above, the variant was classified as uncertain significance.

Ambry Genetics
Classification: Likely benign for Inborn genetic diseases. Last evaluated: 2023-08-14. Review status: criteria provided, single submitter. Criteria: Ambry Variant Classification Scheme 2023. Collection method: clinical testing. Allele origin: germline.

Labcorp Genetics (formerly Invitae), Labcorp
Classification: Uncertain significance. Last evaluated: 2022-06-20. Review status: criteria provided, single submitter. Criteria: Invitae Variant Classification Sherloc (09022015). Collection method: clinical testing. Allele origin: germline.
Comment: In summary, the available evidence is currently insufficient to determine the role of this variant in disease. Therefore, it has been classified as a Variant of Uncertain Significance. Algorithms developed to predict the effect of missense changes on protein structure and function are either unavailable or do not agree on the potential impact of this missense change (SIFT: "Not Available"; PolyPhen-2: "Probably Damaging"; Align-GVGD: "Not Available"). This variant has not been reported in the literature in individuals affected with ANK3-related conditions. This variant is present in population databases (rs377041799, gnomAD 0.02%). This sequence change replaces glutamic acid with lysine at codon 4024 of the ANK3 protein (p.Glu4024Lys). The glutamic acid residue is weakly conserved and there is a small physicochemical difference between glutamic acid and lysine.

NM_020987.5(ANK3):c.12070G>A (p.Glu4024Lys)

Gene: ANK3 (ankyrin 3; minus strand). Cytogenetic location: 10q21.2.
Variant type: single nucleotide variant.
Coding change: c.12070G>A on transcript NM_020987.5 (MANE Select); coding-DNA position 12070, G replaced by A.
Protein change: p.Glu4024Lys; replaces glutamic acid 4024 with lysine.
Molecular consequence: missense variant. On other transcripts: intron variant (4).
Genome position (GRCh38, 1-based): chr10:60,068,811, C>T on the plus strand (G>A on the coding strand, the complement: ANK3 is on the minus strand). VCF-style: chr10-60068811-C-T. GRCh37 (hg19) VCF-style: chr10-61828569-C-T.
Other names: c.4388-802G>A (NM_001204403.2); c.4409-802G>A (NM_001204404.2); c.4406-802G>A (NM_001320874.2); c.1808-802G>A (NM_001149.4); c.12070G>A (NM_020987.3); short protein forms E4024K.
Identifiers: ClinVar variation 1431669 (VCV001431669.10), dbSNP rs377041799, ClinGen allele CA5510979.